The following is an entry in ClinVar:

NM_024685.4(BBS10):c.1971_1975del (p.Tyr658fs)

Gene: BBS10 (Bardet-Biedl syndrome 10; minus strand). Cytogenetic location: 12q21.2.
Variant type: Deletion.
Coding change: c.1971_1975del on transcript NM_024685.4 (MANE Select); coding-DNA positions 1971 to 1975, 5 bases deleted (ATATA; older notation c.1971_1975delATATA).
Protein change: p.Tyr658fs; shifts the reading frame from tyrosine 658.
Molecular consequence: frameshift variant.
Genome position (GRCh38, 1-based): chr12:76,346,010-76,346,014, TATAT deleted on the plus strand (ATATA on the coding strand, the reverse complement: BBS10 is on the minus strand). VCF-style (leftmost placement, unchanged base first): chr12-76346009-ATATAT-A. GRCh37 (hg19) VCF-style: chr12-76739789-ATATAT-A.
Other names: short protein forms Y658fs.
Identifiers: ClinVar variation 2757588 (VCV002757588.3), dbSNP rs2540954917, ClinGen allele CA2697551496.

ClinVar aggregate classification (germline): Pathogenic (1 of 4 stars; one submission).

Conditions:
Bardet-Biedl syndrome (BBS). Identifiers: Orphanet 110, MedGen C0752166, MONDO:0015229.

Submission:

Labcorp Genetics (formerly Invitae), Labcorp
Classification: Pathogenic for Bardet-Biedl syndrome. Last evaluated: 2023-09-03. Review status: criteria provided, single submitter. Criteria: Invitae Variant Classification Sherloc (09022015). Collection method: clinical testing. Allele origin: germline.
Comment: This variant disrupts a region of the BBS10 protein in which other variant(s) (p.Val707*) have been determined to be pathogenic (PMID: 20472660, 22773737, 25982971, 27486776). This suggests that this is a clinically significant region of the protein, and that variants that disrupt it are likely to be disease-causing. For these reasons, this variant has been classified as Pathogenic. This variant has not been reported in the literature in individuals affected with BBS10-related conditions. This variant is not present in population databases (gnomAD no frequency). This sequence change creates a premature translational stop signal (p.Tyr658Lysfs*25) in the BBS10 gene. While this is not anticipated to result in nonsense mediated decay, it is expected to disrupt the last 66 amino acid(s) of the BBS10 protein.

Literature cited by the submitters: PubMed 20472660; PubMed 22773737; PubMed 25982971; PubMed 27486776.